The following is an entry in ClinVar:

ClinVar aggregate classification (germline): Uncertain significance (1 of 4 stars; one submission).

Submission:

Labcorp Genetics (formerly Invitae), Labcorp
Classification: Uncertain significance. Last evaluated: 2024-02-17. Review status: criteria provided, single submitter. Criteria: Invitae Variant Classification Sherloc (09022015). Collection method: clinical testing. Allele origin: germline.
Comment: This sequence change replaces proline, which is neutral and non-polar, with leucine, which is neutral and non-polar, at codon 2823 of the DCHS1 protein (p.Pro2823Leu). This variant is not present in population databases (gnomAD no frequency). This variant has not been reported in the literature in individuals affected with DCHS1-related conditions. Advanced modeling of protein sequence and biophysical properties (such as structural, functional, and spatial information, amino acid conservation, physicochemical variation, residue mobility, and thermodynamic stability) performed at Invitae indicates that this missense variant is not expected to disrupt DCHS1 protein function with a negative predictive value of 80%. In summary, the available evidence is currently insufficient to determine the role of this variant in disease. Therefore, it has been classified as a Variant of Uncertain Significance.

NM_003737.4(DCHS1):c.8468C>T (p.Pro2823Leu)

Gene: DCHS1 (dachsous cadherin-related 1; minus strand). Cytogenetic location: 11p15.4.
Variant type: single nucleotide variant.
Coding change: c.8468C>T on transcript NM_003737.4 (MANE Select); coding-DNA position 8468, C replaced by T.
Protein change: p.Pro2823Leu; replaces proline 2823 with leucine.
Molecular consequence: missense variant.
Genome position (GRCh38, 1-based): chr11:6,623,208, G>A on the plus strand (C>T on the coding strand, the complement: DCHS1 is on the minus strand). VCF-style: chr11-6623208-G-A. GRCh37 (hg19) VCF-style: chr11-6644439-G-A.
Other names: short protein forms P2823L.
Identifiers: ClinVar variation 3621745 (VCV003621745.2).